The following is an entry in ClinVar:

ClinVar aggregate classification (germline): Uncertain significance (1 of 4 stars; one submission).

Conditions:
SIM1-related disorder. Also called: SIM1-related condition; SIM1-related disorders.

gnomAD v4.1: 4 of 1,614,108 alleles (0.00025%); highest among the groups gnomAD compares: Non-Finnish European, 0.00034%; no homozygotes.

Submission:

PreventionGenetics, part of Exact Sciences
Classification: Uncertain significance for SIM1-related condition. Last evaluated: 2025-04-24. Review status: criteria provided, single submitter. Criteria: ACMG Guidelines, 2015. Collection method: clinical testing. Allele origin: germline.
Comment: The SIM1 c.1771C>A variant is predicted to result in the amino acid substitution p.Gln591Lys. To our knowledge, this variant has not been reported in the literature. This variant is reported in 0.0018% of alleles in individuals of European (Non-Finnish) descent in gnomAD. At this time, the clinical significance of this variant is uncertain due to the absence of conclusive functional and genetic evidence.

NM_005068.3(SIM1):c.1771C>A (p.Gln591Lys)

Gene: SIM1 (SIM bHLH transcription factor 1; minus strand). Cytogenetic location: 6q16.3.
Variant type: single nucleotide variant.
Coding change: c.1771C>A on transcript NM_005068.3 (MANE Select); coding-DNA position 1771, C replaced by A.
Protein change: p.Gln591Lys; replaces glutamine 591 with lysine.
Molecular consequence: missense variant.
Genome position (GRCh38, 1-based): chr6:100,390,891, G>T on the plus strand (C>A on the coding strand, the complement: SIM1 is on the minus strand). VCF-style: chr6-100390891-G-T. GRCh37 (hg19) VCF-style: chr6-100838767-G-T.
Other names: c.1771C>A, p.Gln591Lys (NM_001374769.1); short protein forms Q591K.
Identifiers: ClinVar variation 4978663 (VCV004978663.1).